The following is an entry in ClinVar:

NM_144596.4(TTC8):c.266-3dup

Gene: TTC8 (tetratricopeptide repeat domain 8; plus strand). Cytogenetic location: 14q31.3.
Variant type: Duplication.
Coding change: c.266-3dup on transcript NM_144596.4 (MANE Select); 3 bases into the intron before coding-DNA position 266, one base duplicated (T; older notation c.266-3dupT).
Molecular consequence: intron variant.
Genome position (GRCh38, 1-based): chr14:88,840,862, T duplicated. VCF-style (leftmost placement, unchanged base first): chr14-88840861-C-CT. GRCh37 (hg19) VCF-style: chr14-89307205-C-CT.
Other names: c.-327-3dup (NM_001288782.1); c.236-3dup (NM_001288781.1, NM_198309.3, NM_198310.3 and 2 more transcripts); c.-422-3dup (NM_001288783.1).
Identifiers: ClinVar variation 3348770 (VCV003348770.1).
Genomic context (GRCh38, chr14:88,840,861, plus strand): 5'-TAGCTTACAGTTTTTACAGATTAATAGATAATATATAAATTGTATTAGCCATCTTGTCTC[C>CT]TAGGCCCTGGAACGTCTTTGAAACTCCCTGGAACTAATCAGACAGGAGGGCCTAGCCAGG-3'

ClinVar aggregate classification (germline): Likely benign (0 of 4 stars; one submission).

Conditions:
TTC8-related disorder. Also called: TTC8-related condition.

Submission:

PreventionGenetics, part of Exact Sciences
Classification: Likely benign for TTC8-related condition. Last evaluated: 2023-08-10. Review status: no assertion criteria provided. Collection method: clinical testing. Allele origin: germline.
Comment: This variant is classified as likely benign based on ACMG/AMP sequence variant interpretation guidelines (Richards et al. 2015 PMID: 25741868, with internal and published modifications).